The following is an entry in ClinVar:

NM_000883.4(IMPDH1):c.*597G>A

Gene: IMPDH1 (inosine monophosphate dehydrogenase 1; minus strand). Cytogenetic location: 7q32.1.
Variant type: single nucleotide variant.
Coding change: c.*597G>A on transcript NM_000883.4 (MANE Select); 597 bases downstream of the stop codon, G replaced by A.
Molecular consequence: 3 prime UTR variant.
Genome position (GRCh38, 1-based): chr7:128,392,410, C>T on the plus strand (G>A on the coding strand, the complement: IMPDH1 is on the minus strand). VCF-style: chr7-128392410-C-T. GRCh37 (hg19) VCF-style: chr7-128032464-C-T.
Other names: c.*597G>A (NM_001102605.2, NM_001142573.2, NM_001142574.2 and 4 more transcripts).
Identifiers: ClinVar variation 358860 (VCV000358860.6), dbSNP rs1803821, ClinGen allele CA10625239.
Genomic context (GRCh38, chr7:128,392,410, plus strand): 5'-GTGCAAAGTTAAAGCCTTCGACTGCAGCTGAGGAGAAGGGAGGAATGGTTCACCTGGGGA[C>T]GGTGGTGAGTCAGGAATGACAGGCAGGCGGCCATGACCAGGGCAGTCTCCTACCCATGGC-3'

ClinVar aggregate classification (germline): Benign. Review status: criteria provided, multiple submitters, no conflicts (2 of 4 stars). 3 submissions from 2 submitters: Benign (3). Last evaluated 2018-01-13.

Conditions:
Retinitis pigmentosa (RP). Identifiers: Orphanet 791, MedGen C0035334, MeSH D012174, MONDO:0019200, OMIM 268000. Inheritance: Autosomal dominant, autosomal recessive and X linked inheritance.
Leber congenital amaurosis 11 (LCA11). Identifiers: Orphanet 65, MedGen C1840284, MONDO:0013454, OMIM 613837.

Allele frequency attached by ClinVar (database versions not stated): 1000 Genomes Project 0.02276; gnomAD exomes 0.01595; gnomAD 0.01620 and 0.01775; TOPMed 0.01696; 1000 Genomes Project 30x 0.02233.
gnomAD v4.1: 2,742 of 155,022 alleles (1.8%); highest among the groups gnomAD compares: South Asian, 5.5%; 40 homozygotes.

Submissions (3):

Illumina Laboratory Services, Illumina
Classification: Benign for Leber congenital amaurosis 11. Last evaluated: 2018-01-13. Review status: criteria provided, single submitter. Criteria: ICSL Variant Classification Criteria 13 December 2019. Collection method: clinical testing. Allele origin: germline.
Comment: This variant was observed in the ICSL laboratory as part of a predisposition screen in an ostensibly healthy population. It had not been previously curated by ICSL or reported in the Human Gene Mutation Database (HGMD: prior to June 1st, 2018), and was therefore a candidate for classification through an automated scoring system. Utilizing variant allele frequency, disease prevalence and penetrance estimates, and inheritance mode, an automated score was calculated to assess if this variant is too frequent to cause the disease. Based on the score and internal cut-off values, a variant classified as benign is not then subjected to further curation. The score for this variant resulted in a classification of benign for this disease.

Illumina Laboratory Services, Illumina
Classification: Benign for Retinitis pigmentosa. Last evaluated: 2018-01-13. Review status: criteria provided, single submitter. Criteria: ICSL Variant Classification Criteria 13 December 2019. Collection method: clinical testing. Allele origin: germline.
Comment: the same text as in the submission from Illumina Laboratory Services, Illumina above.

Breakthrough Genomics
Classification: Benign. Review status: criteria provided, single submitter. Criteria: ACMG Guidelines, 2015. Collection method: not provided. Allele origin: germline. Inheritance: Autosomal dominant inheritance. Affected: yes.